The following is an entry in ClinVar:

NM_003849.4(SUCLG1):c.59G>A (p.Gly20Asp)

Gene: SUCLG1 (succinate-CoA ligase GDP/ADP-forming subunit alpha; minus strand). Cytogenetic location: 2p11.2.
Variant type: single nucleotide variant.
Coding change: c.59G>A on transcript NM_003849.4 (MANE Select); coding-DNA position 59, G replaced by A.
Protein change: p.Gly20Asp; replaces glycine 20 with aspartic acid.
Molecular consequence: missense variant.
Genome position (GRCh38, 1-based): chr2:84,459,211, C>T on the plus strand (G>A on the coding strand, the complement: SUCLG1 is on the minus strand). VCF-style: chr2-84459211-C-T. GRCh37 (hg19) VCF-style: chr2-84686335-C-T.
Other names: short protein forms G20D.
Identifiers: ClinVar variation 3651869 (VCV003651869.1).

ClinVar aggregate classification (germline): Uncertain significance (1 of 4 stars; one submission).

Conditions:
Mitochondrial DNA depletion syndrome 9 (MTDPS9). Also called: SUCLG1-Related Mitochondrial DNA Depletion Syndrome, Encephalomyopathic Form with Methylmalonic Aciduria. Identifiers: Orphanet 17, MedGen C3151476, MONDO:0009504, OMIM 245400.

Submission:

Labcorp Genetics (formerly Invitae), Labcorp
Classification: Uncertain significance for Mitochondrial DNA depletion syndrome 9. Last evaluated: 2024-05-01. Review status: criteria provided, single submitter. Criteria: Invitae Variant Classification Sherloc (09022015). Collection method: clinical testing. Allele origin: germline.
Comment: This sequence change replaces glycine, which is neutral and non-polar, with aspartic acid, which is acidic and polar, at codon 20 of the SUCLG1 protein (p.Gly20Asp). This variant is not present in population databases (gnomAD no frequency). This variant has not been reported in the literature in individuals affected with SUCLG1-related conditions. Advanced modeling of protein sequence and biophysical properties (such as structural, functional, and spatial information, amino acid conservation, physicochemical variation, residue mobility, and thermodynamic stability) has been performed at Invitae for this missense variant, however the output from this modeling did not meet the statistical confidence thresholds required to predict the impact of this variant on SUCLG1 protein function. In summary, the available evidence is currently insufficient to determine the role of this variant in disease. Therefore, it has been classified as a Variant of Uncertain Significance.